The following is an entry in ClinVar:

ClinVar aggregate classification (germline): Likely benign (1 of 4 stars; one submission).

Allele frequency attached by ClinVar (database versions not stated): gnomAD 0.00002; ExAC 0.00003; gnomAD exomes 0.00003; TOPMed 0.00003; ESP Exome Variant Server 0.00015.
gnomAD v4.1: 45 of 1,614,108 alleles (0.0028%); highest among the groups gnomAD compares: Middle Eastern, 0.016%; no homozygotes.

Submission:

CeGaT Center for Human Genetics Tuebingen
Classification: Likely benign. Last evaluated: 2022-09-01. Review status: criteria provided, single submitter. Criteria: CeGaT Center For Human Genetics Tuebingen Variant Classification Criteria Version 2. Collection method: clinical testing. Allele origin: germline. Affected: yes. Observed: 1 variant allele.
Comment: NCAPD3: BP4, BP7

NM_015261.3(NCAPD3):c.2847C>T (p.Leu949=)

Gene: NCAPD3 (non-SMC condensin II complex subunit D3; minus strand). Cytogenetic location: 11q25.
Variant type: single nucleotide variant.
Coding change: c.2847C>T on transcript NM_015261.3 (MANE Select); coding-DNA position 2847, C replaced by T.
Protein change: p.Leu949=; no amino-acid change (leucine 949 retained).
Molecular consequence: synonymous variant.
Genome position (GRCh38, 1-based): chr11:134,177,393, G>A on the plus strand (C>T on the coding strand, the complement: NCAPD3 is on the minus strand). VCF-style: chr11-134177393-G-A. GRCh37 (hg19) VCF-style: chr11-134047288-G-A.
Other names: c.2847C>T, p.Leu949= (NM_001372065.1, NM_001372068.1); c.2433C>T, p.Leu811= (NM_001372069.1, NM_001372070.1).
Identifiers: ClinVar variation 2642554 (VCV002642554.24), dbSNP rs150304737, ClinGen allele CA6371116.